The following is an entry in ClinVar:

NM_006231.4(POLE):c.6748G>A (p.Val2250Ile)

Gene: POLE (DNA polymerase epsilon, catalytic subunit; minus strand). Cytogenetic location: 12q24.33.
Variant type: single nucleotide variant.
Coding change: c.6748G>A on transcript NM_006231.4 (MANE Select); coding-DNA position 6748, G replaced by A.
Protein change: p.Val2250Ile; replaces valine 2250 with isoleucine.
Molecular consequence: missense variant.
Genome position (GRCh38, 1-based): chr12:132,624,810, C>T on the plus strand (G>A on the coding strand, the complement: POLE is on the minus strand). VCF-style: chr12-132624810-C-T. GRCh37 (hg19) VCF-style: chr12-133201396-C-T.
Other names: c.6748G>A (NM_006231.2); short protein forms V2250I.
Identifiers: ClinVar variation 1026401 (VCV001026401.9), dbSNP rs756931710, ClinGen allele CA387365930.

ClinVar aggregate classification (germline): Uncertain significance. Review status: criteria provided, multiple submitters, no conflicts (2 of 4 stars). 2 submissions from 2 submitters: Uncertain significance (2). Last evaluated 2025-08-10.

Conditions:
Hereditary cancer-predisposing syndrome. Also called: Neoplastic Syndromes, Hereditary; Tumor predisposition; Hereditary Cancer Syndrome; Hereditary neoplastic syndrome. Identifiers: Orphanet 140162, MedGen C0027672, MeSH D009386, MONDO:0015356.

Allele frequency attached by ClinVar (database versions not stated): TOPMed 0.00001.

Submissions (2):

Labcorp Genetics (formerly Invitae), Labcorp
Classification: Uncertain significance. Last evaluated: 2025-08-10. Review status: criteria provided, single submitter. Criteria: Invitae Variant Classification Sherloc (09022015). Collection method: clinical testing. Allele origin: germline.
Comment: This sequence change replaces valine, which is neutral and non-polar, with isoleucine, which is neutral and non-polar, at codon 2250 of the POLE protein (p.Val2250Ile). This variant is not present in population databases (gnomAD no frequency). This variant has not been reported in the literature in individuals affected with POLE-related conditions. ClinVar contains an entry for this variant (Variation ID: 1026401). An algorithm developed to predict the effect of missense changes on protein structure and function outputs the following: PolyPhen-2: "Benign". The isoleucine amino acid residue is found in multiple mammalian species, which suggests that this missense change does not adversely affect protein function. In summary, the available evidence is currently insufficient to determine the role of this variant in disease. Therefore, it has been classified as a Variant of Uncertain Significance.

Ambry Genetics
Classification: Uncertain significance for Hereditary cancer-predisposing syndrome. Last evaluated: 2024-12-29. Review status: criteria provided, single submitter. Criteria: Ambry Variant Classification Scheme 2023. Collection method: clinical testing. Allele origin: germline.
Comment: The p.V2250I variant (also known as c.6748G>A) is located in coding exon 49 of the POLE gene. The valine at codon 2250 is replaced by isoleucine, an amino acid with highly similar properties. This change occurs in the first base pair of coding exon 49. This amino acid position is conserved. In addition, this alteration is predicted to be tolerated by in silico analysis. Based on the available evidence, the clinical significance of this variant remains unclear.